The following is an entry in ClinVar:

NM_000169.3(GLA):c.139T>C (p.Trp47Arg)

Genes: GLA (galactosidase alpha; minus strand), RPL36A-HNRNPH2 (RPL36A-HNRNPH2 readthrough; plus strand). Cytogenetic location: Xq22.1.
Variant type: single nucleotide variant.
Coding change: c.139T>C on transcript NM_000169.3 (MANE Select); coding-DNA position 139, T replaced by C.
Protein change: p.Trp47Arg; replaces tryptophan 47 with arginine.
Molecular consequence: missense variant. On other transcripts: non-coding transcript variant (3), intron variant (2).
Genome position (GRCh38, 1-based): chrX:101,407,765, A>G on the plus strand (T>C on the coding strand, the complement: GLA is on the minus strand). VCF-style: chrX-101407765-A-G. GRCh37 (hg19) VCF-style: chrX-100662753-A-G.
Other names: c.139T>C, p.Trp47Arg (NM_001406747.1, NM_001406748.1, NM_001406749.1); c.301-4171A>G (NM_001199973.2); c.178-4171A>G (NM_001199974.2); short protein forms W47R.
Identifiers: ClinVar variation 3340290 (VCV003340290.5).
Genomic context (GRCh38, chrX:101,407,765, plus strand): 5'-GATACCTGATGCAGGAATCTGGCTCTTCCTGGCAGTCAAGGTTGCACATGAAGCGCTCCC[A>G]GTGCAGCCAGCCCATGGTAGGCGTCCTTGCCAATCCATTGTCCAGTGCTCTAGCCCCAGG-3'
Protein context (NP_000160.1, residues 37-57): ARTPTMGWLH[Trp47Arg]ERFMCNLDCQ

ClinVar aggregate classification (germline): Pathogenic/Likely pathogenic. Review status: criteria provided, multiple submitters, no conflicts (2 of 4 stars). 4 submissions from 4 submitters: Pathogenic (3); Likely pathogenic (1). Last evaluated 2026-09-08.

Conditions:
Fabry disease. Also called: Fabry's disease; ALPHA-GALACTOSIDASE A DEFICIENCY; ANDERSON-FABRY DISEASE; CERAMIDE TRIHEXOSIDASE DEFICIENCY; GLA DEFICIENCY; HEREDITARY DYSTOPIC LIPIDOSIS. Identifiers: Orphanet 324, MedGen C0002986, MONDO:0010526, OMIM 301500, HP:0001071. Disease mechanism: Fabry disease is due to inactivating mutations in the X-linked GLA gene resulting in deficiency of the enzyme Alpha Galactosidase-A., loss of function.

Submissions (4):

Genomenon, Inc
Classification: Pathogenic for Fabry disease. Last evaluated: 2026-09-08. Review status: criteria provided, single submitter. Criteria: Genomenon Sequence Variant Interpretation Standards - Updated. Collection method: curation. Allele origin: germline. Affected: yes.
Comment: GLA p.Trp47Arg (c.139T>C) is a missense variant that changes the amino acid at codon 47 from Tryptophan to Arginine. This variant has been observed in at least one proband with clinical features consistent with Fabry disease (PMID:27211852;27896103). The variant was found to segregate with disease in at least one affected family (PMID:27211852). At least one functional study has demonstrated a substantial alteration in protein function relative to the wild-type (PMID:27657681). This variant is located in a mutational hotspot and/or important functional domain. It is absent or not present at a significant frequency in gnomAD. In silico models predict that this variant is possibly or probably damaging. In conclusion, we classify GLA p.Trp47Arg (c.139T>C) as a pathogenic variant.

Serv. Biochemistry and Molecular genetics, Hospital Clinic de Barcelona, Hospital Clínic de Barcelona
Classification: Pathogenic for Fabry disease. Last evaluated: 2026-05-21. Review status: criteria provided, single submitter. Criteria: ACMG Guidelines, 2015. Collection method: clinical testing. Allele origin: germline. Inheritance: X-linked inheritance. Observed: 1 variant allele.
Comment: Classification reported in the manuscript using ACMG criteria/in silico tools: Pathogenic. Variant type: Missense; amino acid change: p.Trp47Arg. Criteria: PM1, PM2, PM5, PP2, PP3, PS1

Revvity Omics, Revvity
Classification: Likely pathogenic. Last evaluated: 2024-01-25. Review status: criteria provided, single submitter. Criteria: ACMG Guidelines, 2015. Collection method: clinical testing. Allele origin: germline.

GeneDx
Classification: Pathogenic. Last evaluated: 2023-12-15. Review status: criteria provided, single submitter. Criteria: GeneDx Variant Classification Process June 2021. Collection method: clinical testing. Allele origin: germline. Affected: yes.
Comment: Published functional studies found this variant is associated with undetectable residual enzyme activity (PMID: 27657681); Not observed at significant frequency in large population cohorts (gnomAD); In silico analysis supports that this missense variant has a deleterious effect on protein structure/function; This variant is associated with the following publications: (PMID: 27657681, 34944500, 27896103, 27211852, 30386727)

Literature cited by the submitters: PubMed 27211852 (cited by Genomenon, Inc and Serv. Biochemistry and Molecular genetics, Hospital Clinic de Barcelona, Hospital Clínic de Barcelona); PubMed 27896103 (cited by Genomenon, Inc and Serv. Biochemistry and Molecular genetics, Hospital Clinic de Barcelona, Hospital Clínic de Barcelona); PubMed 27657681 (cited by Genomenon, Inc and Serv. Biochemistry and Molecular genetics, Hospital Clinic de Barcelona, Hospital Clínic de Barcelona); PubMed 30386727 (cited by Serv. Biochemistry and Molecular genetics, Hospital Clinic de Barcelona, Hospital Clínic de Barcelona).